The following is an entry in ClinVar:

ClinVar aggregate classification (germline): Uncertain significance (1 of 4 stars; one submission).

Submission:

GeneDx
Classification: Uncertain significance. Last evaluated: 2024-10-04. Review status: criteria provided, single submitter. Criteria: GeneDx Variant Classification Process June 2021. Collection method: clinical testing. Allele origin: germline. Affected: yes.
Comment: Not observed at significant frequency in large population cohorts (gnomAD); In silico analysis indicates that this missense variant does not alter protein structure/function; Has not been previously published as pathogenic or benign to our knowledge

NM_001128228.3(TPRN):c.251G>A (p.Arg84His)

Gene: TPRN (taperin; minus strand). Cytogenetic location: 9q34.3.
Variant type: single nucleotide variant.
Coding change: c.251G>A on transcript NM_001128228.3 (MANE Select); coding-DNA position 251, G replaced by A.
Protein change: p.Arg84His; replaces arginine 84 with histidine.
Molecular consequence: missense variant.
Genome position (GRCh38, 1-based): chr9:137,200,461, C>T on the plus strand (G>A on the coding strand, the complement: TPRN is on the minus strand). VCF-style: chr9-137200461-C-T. GRCh37 (hg19) VCF-style: chr9-140094913-C-T.
Other names: short protein forms R84H.
Identifiers: ClinVar variation 3776357 (VCV003776357.1).